The following is an entry in ClinVar:

NM_015346.4(ZFYVE26):c.2332+1G>C

Gene: ZFYVE26 (zinc finger FYVE-type containing 26; minus strand). Cytogenetic location: 14q24.1.
Variant type: single nucleotide variant.
Coding change: c.2332+1G>C on transcript NM_015346.4 (MANE Select); the canonical splice donor site of the intron after coding-DNA position 2332, G replaced by C.
Molecular consequence: splice donor variant.
Genome position (GRCh38, 1-based): chr14:67,797,671, C>G on the plus strand (G>C on the coding strand, the complement: ZFYVE26 is on the minus strand). VCF-style: chr14-67797671-C-G. GRCh37 (hg19) VCF-style: chr14-68264388-C-G.
Identifiers: ClinVar variation 3014036 (VCV003014036.3), dbSNP rs2502853940, ClinGen allele CA390174677.

ClinVar aggregate classification (germline): Likely pathogenic (1 of 4 stars; one submission).

Conditions:
Spastic paraplegia. Identifiers: MedGen C0037772, HP:0001258.

Allele frequency attached by ClinVar (database versions not stated): gnomAD exomes below 0.00001.
gnomAD v4.1: 2 of 1,614,110 alleles (0.00012%); highest among the groups gnomAD compares: Non-Finnish European, 0.00017%; no homozygotes.

Submission:

Labcorp Genetics (formerly Invitae), Labcorp
Classification: Likely pathogenic for Spastic paraplegia. Last evaluated: 2023-02-22. Review status: criteria provided, single submitter. Criteria: Invitae Variant Classification Sherloc (09022015). Collection method: clinical testing. Allele origin: germline.
Comment: In summary, the currently available evidence indicates that the variant is pathogenic, but additional data are needed to prove that conclusively. Therefore, this variant has been classified as Likely Pathogenic. Algorithms developed to predict the effect of sequence changes on RNA splicing suggest that this variant may disrupt the consensus splice site. This variant has not been reported in the literature in individuals affected with ZFYVE26-related conditions. This variant is not present in population databases (gnomAD no frequency). This sequence change affects a donor splice site in intron 12 of the ZFYVE26 gene. It is expected to disrupt RNA splicing. Variants that disrupt the donor or acceptor splice site typically lead to a loss of protein function (PMID: 16199547), and loss-of-function variants in ZFYVE26 are known to be pathogenic (PMID: 18394578, 19805727).

Literature cited by the submitters: PubMed 16199547; PubMed 18394578; PubMed 19805727.